The following is an entry in ClinVar:

NM_002049.4(GATA1):c.300G>C (p.Lys100Asn)

Gene: GATA1 (GATA binding protein 1; plus strand). Cytogenetic location: Xp11.23.
Variant type: single nucleotide variant.
Coding change: c.300G>C on transcript NM_002049.4 (MANE Select); coding-DNA position 300, G replaced by C.
Protein change: p.Lys100Asn; replaces lysine 100 with asparagine.
Molecular consequence: missense variant.
Genome position (GRCh38, 1-based): chrX:48,791,923, G>C. VCF-style: chrX-48791923-G-C. GRCh37 (hg19) VCF-style: chrX-48650330-G-C.
Other names: short protein forms K100N.
Identifiers: ClinVar variation 2188427 (VCV002188427.4), dbSNP rs782431585, ClinGen allele CA10404583.

ClinVar aggregate classification (germline): Uncertain significance (1 of 4 stars; one submission).

Conditions:
GATA binding protein 1 related thrombocytopenia with dyserythropoiesis. Also called: GATA1-Related X-Linked Cytopenia; GATA1-Related Cytopenia. Identifiers: MedGen C1845837, MONDO:0100089.
Diamond-Blackfan anemia. Also called: Blackfan Diamond syndrome; Aregenerative anemia chronic congenital; Red cell aplasia, pure hereditary; Congenital hypoplastic anemia; Aase syndrome. Identifiers: Orphanet 124, MedGen C1260899, MeSH D029503, MONDO:0015253, HP:0004810.

Allele frequency attached by ClinVar (database versions not stated): ExAC 0.00001.

Submission:

Labcorp Genetics (formerly Invitae), Labcorp
Classification: Uncertain significance for GATA binding protein 1 related thrombocytopenia with dyserythropoiesis; Diamond-Blackfan anemia. Last evaluated: 2023-10-13. Review status: criteria provided, single submitter. Criteria: Invitae Variant Classification Sherloc (09022015). Collection method: clinical testing. Allele origin: germline.
Comment: This sequence change replaces lysine, which is basic and polar, with asparagine, which is neutral and polar, at codon 100 of the GATA1 protein (p.Lys100Asn). This variant is present in population databases (rs782431585, gnomAD 0.004%), including at least one homozygous and/or hemizygous individual. This variant has not been reported in the literature in individuals affected with GATA1-related conditions. ClinVar contains an entry for this variant (Variation ID: 2188427). Advanced modeling of protein sequence and biophysical properties (such as structural, functional, and spatial information, amino acid conservation, physicochemical variation, residue mobility, and thermodynamic stability) performed at Invitae indicates that this missense variant is not expected to disrupt GATA1 protein function. In summary, the available evidence is currently insufficient to determine the role of this variant in disease. Therefore, it has been classified as a Variant of Uncertain Significance.